The following is an entry in ClinVar:

ClinVar aggregate classification (germline): Likely benign. Review status: criteria provided, multiple submitters, no conflicts (2 of 4 stars). 3 submissions from 3 submitters: Likely benign (2). 1 of the submissions does not count toward it. Last evaluated 2019-04-09.

Conditions:
GCNT2-related disorder. Also called: GCNT2-related condition.

Allele frequency attached by ClinVar (database versions not stated): 1000 Genomes Project 30x 0.00609; 1000 Genomes Project 0.00659; gnomAD 0.00758 and 0.00768; TOPMed 0.00780; ESP Exome Variant Server 0.00830; gnomAD exomes 0.00946 and 0.00947; ExAC 0.00992.
gnomAD v4.1: 15,073 of 1,614,172 alleles (0.93%); highest among the groups gnomAD compares: South Asian, 1.9%; 119 homozygotes.

Submissions (10):

GeneDx
Classification: Likely benign. Last evaluated: 2019-04-09. Review status: criteria provided, single submitter. Criteria: GeneDx Variant Classification Process June 2021. Collection method: clinical testing. Allele origin: germline. Affected: yes.

Breakthrough Genomics
Classification: Likely benign. Review status: criteria provided, single submitter. Criteria: ACMG Guidelines, 2015. Collection method: not provided. Allele origin: germline. Inheritance: Autosomal recessive inheritance. Affected: yes.

PreventionGenetics, part of Exact Sciences
Classification: Benign for GCNT2-related condition. Last evaluated: 2019-03-05. Review status: no assertion criteria provided. Collection method: clinical testing. Allele origin: germline. Not counted in ClinVar's aggregate classification.
Comment: This variant is classified as benign based on ACMG/AMP sequence variant interpretation guidelines (Richards et al. 2015 PMID: 25741868, with internal and published modifications).

Dr. Peter K. Rogan Lab, Western University
No classification provided (evidence only). Condition: Clear cell carcinoma of kidney. Review status: no classification provided. Collection method: in vitro. Allele origin: not applicable. Functional consequence: skipped exon. Not counted in ClinVar's aggregate classification.

Dr. Peter K. Rogan Lab, Western University
No classification provided (evidence only). Condition: Lung cancer. Review status: no classification provided. Collection method: in vitro. Allele origin: not applicable. Functional consequence: skipped exon. Not counted in ClinVar's aggregate classification.

Dr. Peter K. Rogan Lab, Western University
No classification provided (evidence only). Condition: Acute myeloid leukemia. Review status: no classification provided. Collection method: in vitro. Allele origin: not applicable. Functional consequence: retained intron. Not counted in ClinVar's aggregate classification.

Dr. Peter K. Rogan Lab, Western University
No classification provided (evidence only). Condition: Colorectal cancer. Review status: no classification provided. Collection method: in vitro. Allele origin: not applicable. Functional consequence: retained intron. Not counted in ClinVar's aggregate classification.

Dr. Peter K. Rogan Lab, Western University
No classification provided (evidence only). Condition: Hepatocellular carcinoma. Review status: no classification provided. Collection method: in vitro. Allele origin: not applicable. Functional consequence: retained intron. Not counted in ClinVar's aggregate classification.

Dr. Peter K. Rogan Lab, Western University
No classification provided (evidence only). Condition: Hepatocellular carcinoma. Review status: no classification provided. Collection method: in vitro. Allele origin: not applicable. Functional consequence: retained intron. Not counted in ClinVar's aggregate classification.

Dr. Peter K. Rogan Lab, Western University
No classification provided (evidence only). Condition: Gastric cancer. Review status: no classification provided. Collection method: in vitro. Allele origin: not applicable. Functional consequence: skipped exon. Not counted in ClinVar's aggregate classification.

NM_145649.5(GCNT2):c.305C>G (p.Thr102Ser)

Gene: GCNT2 (glucosaminyl (N-acetyl) transferase 2 (I blood group); plus strand). Cytogenetic location: 6p24.3.
Variant type: single nucleotide variant.
Coding change: c.305C>G on transcript NM_145649.5 (MANE Select); coding-DNA position 305, C replaced by G.
Protein change: p.Thr102Ser; replaces threonine 102 with serine.
Molecular consequence: missense variant.
Genome position (GRCh38, 1-based): chr6:10,529,216, C>G. VCF-style: chr6-10529216-C-G. GRCh37 (hg19) VCF-style: chr6-10529449-C-G.
Other names: NC_000006.11:g.10529449C>G; c.305C>G (NM_145649.4); c.305C>G, p.Thr102Ser (NM_001374747.1); short protein forms T102S.
Identifiers: ClinVar variation 1182271 (VCV001182271.6), dbSNP rs77616261, ClinGen allele CA3631702.
Genomic context (GRCh38, chr6:10,529,216, plus strand): 5'-ACTATGTAACAGAAACACTCTCTGAAGAAGAGGCTGGGTTCCCTTTAGCTTACACAGTGA[C>G]CATCCACAAAGACTTCGGCACTTTTGAGAGGCTCTTCAGGGCGATTTATATGCCCCAAAA-3'
Protein context (NP_663624.1, residues 92-112): EAGFPLAYTV[Thr102Ser]IHKDFGTFER